The following is an entry in ClinVar:

NM_005257.6(GATA6):c.1605A>G (p.Gln535=)

Gene: GATA6 (GATA binding protein 6; plus strand). Cytogenetic location: 18q11.2.
Variant type: single nucleotide variant.
Coding change: c.1605A>G on transcript NM_005257.6 (MANE Select); coding-DNA position 1605, A replaced by G.
Protein change: p.Gln535=; no amino-acid change (glutamine 535 retained).
Molecular consequence: synonymous variant.
Genome position (GRCh38, 1-based): chr18:22,183,028, A>G. VCF-style: chr18-22183028-A-G. GRCh37 (hg19) VCF-style: chr18-19762989-A-G.
Identifiers: ClinVar variation 240129 (VCV000240129.44), dbSNP rs117646477, ClinGen allele CA8909028.

ClinVar aggregate classification (germline): Conflicting classifications of pathogenicity. Review status: criteria provided, conflicting classifications (1 of 4 stars). 7 submissions from 7 submitters: Uncertain significance (1); Benign (4); Likely benign (2). Last evaluated 2026-01-21.

Conditions:
Atrioventricular septal defect 5 (AVSD5). Identifiers: MedGen C3280939, MONDO:0013769, OMIM 614474.
Neonatal insulin-dependent diabetes mellitus. Identifiers: MedGen C3278636, HP:0000857.

Allele frequency attached by ClinVar (database versions not stated): ESP Exome Variant Server 0.00031; gnomAD 0.00045 and 0.00065; 1000 Genomes Project 0.00060; 1000 Genomes Project 30x 0.00062; TOPMed 0.00064; gnomAD exomes 0.00093 and 0.00154; ExAC 0.00146.
gnomAD v4.1: 1,492 of 1,612,286 alleles (0.093%); highest among the groups gnomAD compares: South Asian, 0.62%; 12 homozygotes.

Submissions (7):

Labcorp Genetics (formerly Invitae), Labcorp
Classification: Benign for Atrioventricular septal defect 5. Last evaluated: 2026-01-21. Review status: criteria provided, single submitter. Criteria: Invitae Variant Classification Sherloc (09022015). Collection method: clinical testing. Allele origin: germline.

CeGaT Center for Human Genetics Tuebingen
Classification: Likely benign. Last evaluated: 2025-12-01. Review status: criteria provided, single submitter. Criteria: CeGaT Center For Human Genetics Tuebingen Variant Classification Criteria Version 2. Collection method: clinical testing. Allele origin: germline. Affected: yes. Observed: 3 variant alleles.
Comment: GATA6: BP4, BP7

Blueprint Genetics
Classification: Likely benign. Last evaluated: 2024-11-25. Review status: criteria provided, single submitter. Criteria: ACMG Guidelines, 2015. Collection method: clinical testing. Allele origin: germline.

GeneDx
Classification: Benign. Last evaluated: 2019-04-22. Review status: criteria provided, single submitter. Criteria: GeneDx Variant Classification Process June 2021. Collection method: clinical testing. Allele origin: germline. Affected: yes.

Eurofins Ntd Llc (ga)
Classification: Benign. Last evaluated: 2015-11-16. Review status: criteria provided, single submitter. Criteria: EGL Classification Definitions 2015. Collection method: clinical testing. Allele origin: germline. Observed: 1 variant allele, 1 heterozygote.

Breakthrough Genomics
Classification: Benign. Review status: criteria provided, single submitter. Criteria: ACMG Guidelines, 2015. Collection method: not provided. Allele origin: germline. Inheritance: Autosomal dominant inheritance. Affected: yes.

Clinical Genomics, Uppaluri K&H Personalized Medicine Clinic
Classification: Uncertain significance for Neonatal insulin-dependent diabetes mellitus. Review status: criteria provided, single submitter. Criteria: K & H Uppaluri Personalized Medicine Clinic Variant Classification & Assertion Criteria_Updated V.1. Collection method: research. Allele origin: unknown.
Comment: Potent mutations in GATA6 gene are associated with neonatal diabetes, decreased insulin production due to pancreatic aplasia or hypoplasia. Also associated with isolated cardiac abnormalities in children, like atrial septal defects.However no sufficient evidence is found to ascertain the role of this particular variant rs117646477 yet.

Literature cited by the submitters: PubMed 25706805 (cited by Clinical Genomics, Uppaluri K&H Personalized Medicine Clinic); PubMed 31271559 (cited by Clinical Genomics, Uppaluri K&H Personalized Medicine Clinic); PubMed 22158542 (cited by Clinical Genomics, Uppaluri K&H Personalized Medicine Clinic); PubMed 23223019 (cited by Clinical Genomics, Uppaluri K&H Personalized Medicine Clinic).